The following is an entry in ClinVar:

NM_018192.4(P3H2):c.266C>G (p.Ala89Gly)

Gene: P3H2 (prolyl 3-hydroxylase 2; minus strand). Cytogenetic location: 3q28.
Variant type: single nucleotide variant.
Coding change: c.266C>G on transcript NM_018192.4 (MANE Select); coding-DNA position 266, C replaced by G.
Protein change: p.Ala89Gly; replaces alanine 89 with glycine.
Molecular consequence: missense variant. On other transcripts: intron variant (1).
Genome position (GRCh38, 1-based): chr3:190,120,466, G>C on the plus strand (C>G on the coding strand, the complement: P3H2 is on the minus strand). VCF-style: chr3-190120466-G-C. GRCh37 (hg19) VCF-style: chr3-189838255-G-C.
Other names: c.-64+1737C>G (NM_001134418.2); short protein forms A89G.
Identifiers: ClinVar variation 840897 (VCV000840897.11), dbSNP rs772939460, ClinGen allele CA2753403.

ClinVar aggregate classification (germline): Conflicting classifications of pathogenicity. Review status: criteria provided, conflicting classifications (1 of 4 stars). 4 submissions from 4 submitters: Uncertain significance (1); Benign (1); Likely benign (1). 1 of the submissions does not count toward it. Last evaluated 2026-02-02.

Conditions:
P3H2-related disorder. Also called: P3H2-related condition.
Inborn genetic diseases. Identifiers: MedGen C0950123, MeSH D030342.

Allele frequency attached by ClinVar (database versions not stated): ExAC below 0.00001; 1000 Genomes Project 30x 0.00031; gnomAD 0.00052 and 0.00055; TOPMed 0.00055.
gnomAD v4.1: 535 of 1,431,104 alleles (0.037%); highest among the groups gnomAD compares: Admixed American, 0.23%; no homozygotes.

Submissions (4):

Labcorp Genetics (formerly Invitae), Labcorp
Classification: Likely benign. Last evaluated: 2026-02-02. Review status: criteria provided, single submitter. Criteria: Invitae Variant Classification Sherloc (09022015). Collection method: clinical testing. Allele origin: germline.

Blueprint Genetics
Classification: Benign. Last evaluated: 2024-11-06. Review status: criteria provided, single submitter. Criteria: ACMG Guidelines, 2015. Collection method: clinical testing. Allele origin: germline.

Ambry Genetics
Classification: Uncertain significance for Inborn genetic diseases. Last evaluated: 2021-10-12. Review status: criteria provided, single submitter. Criteria: Ambry Variant Classification Scheme 2023. Collection method: clinical testing. Allele origin: germline.

PreventionGenetics, part of Exact Sciences
Classification: Likely benign for P3H2-related condition. Last evaluated: 2023-03-09. Review status: no assertion criteria provided. Collection method: clinical testing. Allele origin: germline. Not counted in ClinVar's aggregate classification.
Comment: This variant is classified as likely benign based on ACMG/AMP sequence variant interpretation guidelines (Richards et al. 2015 PMID: 25741868, with internal and published modifications).